The following is an entry in ClinVar:

ClinVar aggregate classification (germline): Likely benign. Review status: criteria provided, multiple submitters, no conflicts (2 of 4 stars). 2 submissions from 2 submitters: Likely benign (2). Last evaluated 2023-03-23.

Conditions:
Hereditary breast ovarian cancer syndrome. Also called: Hereditary breast and ovarian cancer syndrome; Breast and ovarian cancer; Hereditary breast and ovarian cancer syndrome (HBOC); Hereditary breast and/or ovarian cancer syndrome; BRCA1- and BRCA2-Associated Hereditary Breast and Ovarian Cancer; Hereditary breast and ovarian cancer. Identifiers: Orphanet 145, MedGen C0677776, MeSH D061325, MONDO:0003582. Disease mechanism: loss of function.

Allele frequency attached by ClinVar (database versions not stated): gnomAD exomes below 0.00001.
gnomAD v4.1: 1 of 1,610,334 alleles (0.000062%); highest among the groups gnomAD compares: East Asian, 0.0022%; no homozygotes.

Submissions (3):

Labcorp Genetics (formerly Invitae), Labcorp
Classification: Likely benign for Hereditary breast ovarian cancer syndrome. Last evaluated: 2023-03-23. Review status: criteria provided, single submitter. Criteria: Invitae Variant Classification Sherloc (09022015). Collection method: clinical testing. Allele origin: germline.

GeneDx
Classification: Likely benign. Last evaluated: 2017-11-08. Review status: criteria provided, single submitter. Criteria: GeneDx Variant Classification (06012015). Collection method: clinical testing. Allele origin: germline. Affected: yes.
Comment: This variant is considered likely benign or benign based on one or more of the following criteria: it is a conservative change, it occurs at a poorly conserved position in the protein, it is predicted to be benign by multiple in silico algorithms, and/or has population frequency not consistent with disease.

Brotman Baty Institute, University of Washington
No classification provided (evidence only). Condition: Breast-ovarian cancer, familial 1. Review status: no classification provided. Collection method: in vitro. Allele origin: not applicable. Functional consequence: functionally_normal. Not counted in ClinVar's aggregate classification.
ClinVar note: "not provided" was previously submitted as the classification for the variant. However, the classification appeared to be based only on an observation of functional data so it was converted to no classification on 2025-07-30.

NM_007294.4(BRCA1):c.5333-11G>A

Gene: BRCA1 (BRCA1 DNA repair associated; minus strand). Cytogenetic location: 17q21.31.
Variant type: single nucleotide variant.
Coding change: c.5333-11G>A on transcript NM_007294.4 (MANE Select); 11 bases into the intron before coding-DNA position 5333, G replaced by A.
Molecular consequence: intron variant.
Genome position (GRCh38, 1-based): chr17:43,049,205, C>T on the plus strand (G>A on the coding strand, the complement: BRCA1 is on the minus strand). VCF-style: chr17-43049205-C-T. GRCh37 (hg19) VCF-style: chr17-41201222-C-T.
Other names: c.1880-11G>A (NM_001408458.1, NM_001408461.1, NM_001408464.1 and 7 more transcripts); c.4442-11G>A (NM_001407967.1); c.4952-11G>A (NM_001407959.1); c.5066-11G>A (NM_001407931.1, NM_001407932.1, NM_001407928.1 and 4 more transcripts); c.5189-11G>A (NM_001407747.1, NM_001407745.1, NM_001407737.1 and 18 more transcripts); c.4949-11G>A (NM_001407962.1, NM_001407960.1); c.1520-11G>A (NM_001408512.1); c.1643-11G>A (NM_001408510.1); and 84 more.
Identifiers: ClinVar variation 392864 (VCV000392864.15), dbSNP rs1057524666, ClinGen allele CA16607247.
Genomic context (GRCh38, chr17:43,049,205, plus strand): 5'-CTCCTTCACCACAGAAGCACCACACAGCTGTACCATCCATTCCAGTTGATCTAAAATGGA[C>T]ATTTAGATGTAAAATCACTGCAGTAATCTGCATACTTAACCCAGGCCCTCTACCCTACAC-3'